The following is an entry in ClinVar:

NM_000642.3(AGL):c.4275T>A (p.Cys1425Ter)

Gene: AGL (amylo-alpha-1,6-glucosidase and 4-alpha-glucanotransferase; plus strand). Cytogenetic location: 1p21.2.
Variant type: single nucleotide variant.
Coding change: c.4275T>A on transcript NM_000642.3 (MANE Select); coding-DNA position 4275, T replaced by A.
Protein change: p.Cys1425Ter; replaces cysteine 1425 with a stop codon.
Molecular consequence: nonsense.
Genome position (GRCh38, 1-based): chr1:99,916,425, T>A. VCF-style: chr1-99916425-T-A. GRCh37 (hg19) VCF-style: chr1-100381981-T-A.
Other names: c.4071T>A, p.Cys1357Ter (NM_001425328.1); c.3936T>A, p.Cys1312Ter (NM_001425329.1); c.3897T>A, p.Cys1299Ter (NM_001425332.1); c.4275T>A, p.Cys1425Ter (NM_000028.3, NM_000643.3, NM_000644.3 and 1 more transcripts); c.4227T>A, p.Cys1409Ter (NM_000646.3); c.4254T>A, p.Cys1418Ter (NM_001425326.1); c.4074T>A, p.Cys1358Ter (NM_001425327.1); short protein forms C1409*, C1425*, C1299*, C1312*, C1357*, C1358*, C1418*.
Identifiers: ClinVar variation 983725 (VCV000983725.3), dbSNP rs1655117886, ClinGen allele CA341342217.

ClinVar aggregate classification (germline): Likely pathogenic (1 of 4 stars; one submission).

Conditions:
Glycogen storage disease type III (GSD3). Also called: Cori disease; FORBES DISEASE. Identifiers: Orphanet 366, MedGen C0017922, MONDO:0009291, OMIM 232400.

Submission:

Myriad Genetics, Inc.
Classification: Likely pathogenic for Glycogen storage disease type III. Last evaluated: 2019-03-12. Review status: criteria provided, single submitter. Criteria: Myriad Women's Health Autosomal Recessive and X-Linked Classification Criteria (2019). Collection method: clinical testing. Allele origin: unknown.
Comment: NM_000642.2(AGL):c.4275T>A(C1425*) is expected to be pathogenic in the context of glycogen storage disease type III. This variant is predicted to lead to an abnormal or absent protein product due to the creation of a premature termination codon in AGL, a gene where loss-of-function variants are known to be pathogenic. Please note: this variant was assessed in the context of healthy population screening.